The following is an entry in ClinVar:

ClinVar aggregate classification (germline): Uncertain significance (1 of 4 stars; one submission).

Conditions:
Nemaline myopathy 2 (NEM2). Also called: Nemaline myopathy 2, autosomal recessive. Identifiers: MedGen C1850569, MONDO:0009725, OMIM 256030.

Allele frequency attached by ClinVar (database versions not stated): gnomAD exomes below 0.00001.
gnomAD v4.1: 2 of 1,613,948 alleles (0.00012%); highest among the groups gnomAD compares: East Asian, 0.0022%; no homozygotes.

Submission:

Labcorp Genetics (formerly Invitae), Labcorp
Classification: Uncertain significance for Nemaline myopathy 2. Last evaluated: 2022-04-20. Review status: criteria provided, single submitter. Criteria: Invitae Variant Classification Sherloc (09022015). Collection method: clinical testing. Allele origin: germline.
Comment: This sequence change replaces lysine, which is basic and polar, with arginine, which is basic and polar, at codon 2833 of the NEB protein (p.Lys2833Arg). This variant is not present in population databases (gnomAD no frequency). This variant has not been reported in the literature in individuals affected with NEB-related conditions. Algorithms developed to predict the effect of missense changes on protein structure and function are either unavailable or do not agree on the potential impact of this missense change (SIFT: "Deleterious"; PolyPhen-2: "Not Available"; Align-GVGD: "Class C0"). In summary, the available evidence is currently insufficient to determine the role of this variant in disease. Therefore, it has been classified as a Variant of Uncertain Significance.

NM_001164508.2(NEB):c.8498A>G (p.Lys2833Arg)

Gene: NEB (nebulin; minus strand). Cytogenetic location: 2q23.3.
Variant type: single nucleotide variant.
Coding change: c.8498A>G on transcript NM_001164508.2 (MANE Select); coding-DNA position 8498, A replaced by G.
Protein change: p.Lys2833Arg; replaces lysine 2833 with arginine.
Molecular consequence: missense variant.
Genome position (GRCh38, 1-based): chr2:151,640,542, T>C on the plus strand (A>G on the coding strand, the complement: NEB is on the minus strand). VCF-style: chr2-151640542-T-C. GRCh37 (hg19) VCF-style: chr2-152497056-T-C.
Other names: c.8498A>G, p.Lys2833Arg (NM_001164507.2, NM_001271208.2, NM_004543.5); short protein forms K2833R.
Identifiers: ClinVar variation 2128350 (VCV002128350.1), dbSNP rs2552244040, ClinGen allele CA348810877.